The following is an entry in ClinVar:

ClinVar aggregate classification (germline): Benign. Review status: criteria provided, multiple submitters, no conflicts (2 of 4 stars). 2 submissions from 2 submitters: Benign (2). Last evaluated 2018-06-14.

Allele frequency attached by ClinVar (database versions not stated): 1000 Genomes Project 30x 0.40787; 1000 Genomes Project 0.41234; TOPMed 0.45515; gnomAD 0.46510 and 0.46575; gnomAD exomes 0.54479.
gnomAD v4.1: 313,641 of 597,994 alleles (52%); highest among the groups gnomAD compares: Admixed American, 61%; 86,626 homozygotes.

Submissions (2):

GeneDx
Classification: Benign. Last evaluated: 2018-06-14. Review status: criteria provided, single submitter. Criteria: GeneDx Variant Classification (06012015). Collection method: clinical testing. Allele origin: germline. Affected: yes.
Comment: This variant is considered likely benign or benign based on one or more of the following criteria: it is a conservative change, it occurs at a poorly conserved position in the protein, it is predicted to be benign by multiple in silico algorithms, and/or has population frequency not consistent with disease.

Breakthrough Genomics
Classification: Benign. Review status: criteria provided, single submitter. Criteria: ACMG Guidelines, 2015. Collection method: not provided. Allele origin: germline. Inheritance: Autosomal recessive inheritance. Affected: yes.

NM_000260.4(MYO7A):c.6051+190T>G

Gene: MYO7A (myosin VIIA; plus strand). Cytogenetic location: 11q13.5.
Variant type: single nucleotide variant.
Coding change: c.6051+190T>G on transcript NM_000260.4 (MANE Select); 190 bases into the intron after coding-DNA position 6051, T replaced by G.
Molecular consequence: intron variant.
Genome position (GRCh38, 1-based): chr11:77,208,993, T>G. VCF-style: chr11-77208993-T-G. GRCh37 (hg19) VCF-style: chr11-76920038-T-G.
Other names: c.5904+190T>G (NM_001369365.1); c.5937+190T>G (NM_001127180.2).
Identifiers: ClinVar variation 678840 (VCV000678840.2), dbSNP rs885442, ClinGen allele CA13422796.
Genomic context (GRCh38, chr11:77,208,993, plus strand): 5'-CCAAGACCACTGGAGCCCCAAGGGATGGCCCAACCCCTGATCCTTGTATCTTCTGATTCT[T>G]CAGCCCTTAGGGGCTTGACAGTTCCTCCTCTGAGCTTCCGATCCCTACCTGTTCAGGCCC-3'